The following is an entry in ClinVar:

ClinVar aggregate classification (germline): Pathogenic (1 of 4 stars; one submission).

Conditions:
Ataxia-telangiectasia syndrome (AT). Also called: Ataxia-telangiectasia, complementation group D; AT, COMPLEMENTATION GROUP C; ATAXIA-TELANGIECTASIA, COMPLEMENTATION GROUP A; ATAXIA-TELANGIECTASIA, FRESNO VARIANT; Ataxia-telangiectasia; Ataxia-telangiectasia, complementation group E. Identifiers: Orphanet 100, MedGen C0004135, MONDO:0008840, OMIM 208900.

Submission:

Labcorp Genetics (formerly Invitae), Labcorp
Classification: Pathogenic for Ataxia-telangiectasia syndrome. Last evaluated: 2024-11-24. Review status: criteria provided, single submitter. Criteria: Invitae Variant Classification Sherloc (09022015). Collection method: clinical testing. Allele origin: germline.
Comment: This sequence change creates a premature translational stop signal (p.Leu2001Tyrfs*6) in the ATM gene. It is expected to result in an absent or disrupted protein product. Loss-of-function variants in ATM are known to be pathogenic (PMID: 23807571, 25614872). This variant is not present in population databases (gnomAD no frequency). This variant has not been reported in the literature in individuals affected with ATM-related conditions. For these reasons, this variant has been classified as Pathogenic.

Literature cited by the submitters: PubMed 23807571; PubMed 25614872.

NM_000051.4(ATM):c.6002del (p.Leu2001fs)

Genes: ATM (ATM serine/threonine kinase; plus strand), C11orf65 (chromosome 11 open reading frame 65; minus strand). Cytogenetic location: 11q22.3.
Variant type: Deletion.
Coding change: c.6002del on transcript NM_000051.4 (MANE Select); coding-DNA position 6002, one base deleted (T; older notation c.6002delT).
Protein change: p.Leu2001fs; shifts the reading frame from leucine 2001.
Molecular consequence: frameshift variant. On other transcripts: intron variant (2).
Genome position (GRCh38, 1-based): chr11:108,312,494, T deleted; the last of 3 consecutive T bases (chr11:108,312,492-108,312,494); deleting any one gives the same sequence. VCF-style (leftmost placement, unchanged base first): chr11-108312491-GT-G. GRCh37 (hg19) VCF-style: chr11-108183218-GT-G.
Other names: c.6002del, p.Leu2001fs (NM_001351834.2); c.641-3421del (NM_001330368.2); c.*39-3421del (NM_001351110.2); short protein forms L2001fs.
Identifiers: ClinVar variation 3725943 (VCV003725943.2).
Genomic context (GRCh38, chr11:108,312,491, plus strand): 5'-GAAGCCAGAGTACAACTATTTCTAGCTTGAGTGAAAAAAGTAAAGAAGAAACTGGAATAA[GT>G]TTACAGGTAAATATTAGAGGCTCTATTATTTATGACAGTATTTATCTCATACTTTGGGTT-3'